The following is an entry in ClinVar:

NM_152383.5(DIS3L2):c.2154G>A (p.Ala718=)

Gene: DIS3L2 (DIS3 like 3'-5' exoribonuclease 2; plus strand). Cytogenetic location: 2q37.1.
Variant type: single nucleotide variant.
Coding change: c.2154G>A on transcript NM_152383.5 (MANE Select); coding-DNA position 2154, G replaced by A.
Protein change: p.Ala718=; no amino-acid change (alanine 718 retained).
Molecular consequence: synonymous variant. On other transcripts: non-coding transcript variant (2), intron variant (1).
Genome position (GRCh38, 1-based): chr2:232,333,983, G>A. VCF-style: chr2-232333983-G-A. GRCh37 (hg19) VCF-style: chr2-233198693-G-A.
Other names: c.1582-9362G>A (NM_001257281.2).
Identifiers: ClinVar variation 416358 (VCV000416358.38), dbSNP rs371733417, ClinGen allele CA2164408.

ClinVar aggregate classification (germline): Likely benign. Review status: criteria provided, multiple submitters, no conflicts (2 of 4 stars). 3 submissions from 3 submitters: Likely benign (3). Last evaluated 2025-10-07.

Conditions:
Perlman syndrome (PRLMNS). Identifiers: Orphanet 2849, MedGen C0796113, MONDO:0009965, OMIM 267000.

Allele frequency attached by ClinVar (database versions not stated): gnomAD 0.00002; gnomAD exomes 0.00002 and 0.00007; TOPMed 0.00002; ESP Exome Variant Server 0.00008; ExAC 0.00011.
gnomAD v4.1: 28 of 1,608,976 alleles (0.0017%); highest among the groups gnomAD compares: East Asian, 0.027%; no homozygotes.

Submissions (3):

Labcorp Genetics (formerly Invitae), Labcorp
Classification: Likely benign for Perlman syndrome. Last evaluated: 2025-10-07. Review status: criteria provided, single submitter. Criteria: Invitae Variant Classification Sherloc (09022015). Collection method: clinical testing. Allele origin: germline.

Blueprint Genetics
Classification: Likely benign. Last evaluated: 2024-08-30. Review status: criteria provided, single submitter. Criteria: ACMG Guidelines, 2015. Collection method: clinical testing. Allele origin: germline.

CeGaT Center for Human Genetics Tuebingen
Classification: Likely benign. Last evaluated: 2023-06-01. Review status: criteria provided, single submitter. Criteria: CeGaT Center For Human Genetics Tuebingen Variant Classification Criteria Version 2. Collection method: clinical testing. Allele origin: germline. Affected: yes. Observed: 1 variant allele.
Comment: DIS3L2: BP4, BP7